The following is an entry in ClinVar:

NM_000301.5(PLG):c.598A>G (p.Thr200Ala)

Gene: PLG (plasminogen; plus strand). Cytogenetic location: 6q26.
Variant type: single nucleotide variant.
Coding change: c.598A>G on transcript NM_000301.5 (MANE Select); coding-DNA position 598, A replaced by G.
Protein change: p.Thr200Ala; replaces threonine 200 with alanine.
Molecular consequence: missense variant.
Genome position (GRCh38, 1-based): chr6:160,714,844, A>G. VCF-style: chr6-160714844-A-G. GRCh37 (hg19) VCF-style: chr6-161135876-A-G.
Other names: short protein forms T200A.
Identifiers: ClinVar variation 1304561 (VCV001304561.13), dbSNP rs149145958, ClinGen allele CA4087498.

ClinVar aggregate classification (germline): Uncertain significance. Review status: criteria provided, multiple submitters, no conflicts (2 of 4 stars). 5 submissions from 5 submitters: Uncertain significance (5). Last evaluated 2026-03-23.

Conditions:
Angioedema, hereditary, 4. Identifiers: MedGen C5543503, MONDO:0025712, OMIM 619360.
Plasminogen deficiency, type I. Also called: Type 1 plasminogen deficiency; Hypoplasminogenemia. Identifiers: Orphanet 722, MedGen C1968804, MONDO:0009009, OMIM 217090.
PLG-related disorder. Also called: PLG-related condition.

Allele frequency attached by ClinVar (database versions not stated): 1000 Genomes Project 0.00060; TOPMed 0.00066; gnomAD 0.00072; ExAC 0.00074; 1000 Genomes Project 30x 0.00078; ESP Exome Variant Server 0.00092.
gnomAD v4.1: 1,788 of 1,612,758 alleles (0.11%); highest among the groups gnomAD compares: Non-Finnish European, 0.14%; 1 homozygote.

Submissions (5):

PreventionGenetics, part of Exact Sciences
Classification: Uncertain significance for PLG-related condition. Last evaluated: 2026-03-23. Review status: criteria provided, single submitter. Criteria: ACMG Guidelines, 2015. Collection method: clinical testing. Allele origin: germline.
Comment: The PLG c.598A>G variant is predicted to result in the amino acid substitution p.Thr200Ala. This variant has been reported with uncertain significance in study of individuals with severe hypertension and renal microangiopathy (Larsen et al. 2017. PubMed ID: 29148534). This variant is reported in 0.14% of alleles in individuals of European (Non-Finnish) descent in gnomAD. Although we suspect that this variant may be benign, at this time, the clinical significance of this variant is uncertain due to the absence of conclusive functional and genetic evidence.

Labcorp Genetics (formerly Invitae), Labcorp
Classification: Uncertain significance. Last evaluated: 2026-01-24. Review status: criteria provided, single submitter. Criteria: Invitae Variant Classification Sherloc (09022015). Collection method: clinical testing. Allele origin: germline.
Comment: This sequence change replaces threonine, which is neutral and polar, with alanine, which is neutral and non-polar, at codon 200 of the PLG protein (p.Thr200Ala). This variant is present in population databases (rs149145958, gnomAD 0.1%), and has an allele count higher than expected for a pathogenic variant. This missense change has been observed in individual(s) with hypertension and renal microangiopathy (PMID: 29148534). ClinVar contains an entry for this variant (Variation ID: 1304561). Invitae Evidence Modeling of protein sequence and biophysical properties (such as structural, functional, and spatial information, amino acid conservation, physicochemical variation, residue mobility, and thermodynamic stability) indicates that this missense variant is not expected to disrupt PLG protein function with a negative predictive value of 80%. In summary, the available evidence is currently insufficient to determine the role of this variant in disease. Therefore, it has been classified as a Variant of Uncertain Significance.

Blueprint Genetics
Classification: Uncertain significance. Last evaluated: 2024-11-23. Review status: criteria provided, single submitter. Criteria: ACMG Guidelines, 2015. Collection method: clinical testing. Allele origin: germline.

Fulgent Genetics
Classification: Uncertain significance for Plasminogen deficiency, type I; Angioedema, hereditary, 4. Last evaluated: 2024-06-03. Review status: criteria provided, single submitter. Criteria: ACMG Guidelines, 2015. Collection method: clinical testing. Allele origin: germline.

GeneDx
Classification: Uncertain significance. Last evaluated: 2020-02-07. Review status: criteria provided, single submitter. Criteria: GeneDx Variant Classification Process June 2021. Collection method: clinical testing. Allele origin: germline. Affected: yes.
Comment: Segregation and parametric linkage analysis of this variant did not support a role in disease (Sadovnick et al., 2016); Reported in individuals with thrombotic microangiopathy (Larsen et al., 2018) and multiple sclerosis (Sadovnick et al., 2016); In silico analysis supports that this missense variant has a deleterious effect on protein structure/function; This variant is associated with the following publications: (PMID: 27194806, 29148534)

Literature cited by the submitters: PubMed 29148534 (cited by Labcorp Genetics (formerly Invitae), Labcorp).